The following is an entry in ClinVar:

NM_020638.3(FGF23):c.706G>C (p.Ala236Pro)

Gene: FGF23 (fibroblast growth factor 23; minus strand). Cytogenetic location: 12p13.32.
Variant type: single nucleotide variant.
Coding change: c.706G>C on transcript NM_020638.3 (MANE Select); coding-DNA position 706, G replaced by C.
Protein change: p.Ala236Pro; replaces alanine 236 with proline.
Molecular consequence: missense variant.
Genome position (GRCh38, 1-based): chr12:4,370,393, C>G on the plus strand (G>C on the coding strand, the complement: FGF23 is on the minus strand). VCF-style: chr12-4370393-C-G. GRCh37 (hg19) VCF-style: chr12-4479559-C-G.
Other names: short protein forms A236P.
Identifiers: ClinVar variation 1950107 (VCV001950107.6), dbSNP rs371972859, ClinGen allele CA6395619.

ClinVar aggregate classification (germline): Uncertain significance. Review status: criteria provided, multiple submitters, no conflicts (2 of 4 stars). 2 submissions from 2 submitters: Uncertain significance (2). Last evaluated 2024-05-10.

Conditions:
Autosomal dominant hypophosphatemic rickets (ADHR). Also called: HYPOPHOSPHATEMIA, AUTOSOMAL DOMINANT; VITAMIN D-RESISTANT RICKETS, AUTOSOMAL DOMINANT. Identifiers: Orphanet 89937, MedGen C0342642, MONDO:0008660, OMIM 193100.
Tumoral calcinosis, hyperphosphatemic, familial, 2. Identifiers: MedGen C4693863, MONDO:0060714, OMIM 617993.

Allele frequency attached by ClinVar (database versions not stated): ESP Exome Variant Server 0.00008.
gnomAD v4.1: 16 of 1,613,638 alleles (0.00099%); highest among the groups gnomAD compares: African/African-American, 0.017%; no homozygotes.

Submissions (2):

Fulgent Genetics
Classification: Uncertain significance for Autosomal dominant hypophosphatemic rickets; Tumoral calcinosis, hyperphosphatemic, familial, 2. Last evaluated: 2024-05-10. Review status: criteria provided, single submitter. Criteria: ACMG Guidelines, 2015. Collection method: clinical testing. Allele origin: germline.

Labcorp Genetics (formerly Invitae), Labcorp
Classification: Uncertain significance. Last evaluated: 2022-09-05. Review status: criteria provided, single submitter. Criteria: Invitae Variant Classification Sherloc (09022015). Collection method: clinical testing. Allele origin: germline.
Comment: This sequence change replaces alanine, which is neutral and non-polar, with proline, which is neutral and non-polar, at codon 236 of the FGF23 protein (p.Ala236Pro). This variant is present in population databases (rs371972859, gnomAD 0.03%). This variant has not been reported in the literature in individuals affected with FGF23-related conditions. Algorithms developed to predict the effect of missense changes on protein structure and function output the following: SIFT: "Tolerated"; PolyPhen-2: "Benign"; Align-GVGD: "Class C0". The proline amino acid residue is found in multiple mammalian species, which suggests that this missense change does not adversely affect protein function. In summary, the available evidence is currently insufficient to determine the role of this variant in disease. Therefore, it has been classified as a Variant of Uncertain Significance.